The following is an entry in ClinVar:

NM_031475.3(ESPN):c.1849C>T (p.Pro617Ser)

Gene: ESPN (espin; plus strand). Cytogenetic location: 1p36.31.
Variant type: single nucleotide variant.
Coding change: c.1849C>T on transcript NM_031475.3 (MANE Select); coding-DNA position 1849, C replaced by T.
Protein change: p.Pro617Ser; replaces proline 617 with serine.
Molecular consequence: missense variant.
Genome position (GRCh38, 1-based): chr1:6,449,025, C>T. VCF-style: chr1-6449025-C-T. GRCh37 (hg19) VCF-style: chr1-6509085-C-T.
Other names: c.1759C>T, p.Pro587Ser (NM_001367473.1, NM_001367474.1); short protein forms P587S, P617S.
Identifiers: ClinVar variation 1328759 (VCV001328759.2), dbSNP rs1453416584, ClinGen allele CA338097809.

ClinVar aggregate classification (germline): Uncertain significance (1 of 4 stars; one submission).

Allele frequency attached by ClinVar (database versions not stated): gnomAD exomes 0.00001; gnomAD 0.00003 and 0.00004; TOPMed 0.00004.
gnomAD v4.1: 29 of 1,466,136 alleles (0.002%); highest among the groups gnomAD compares: Non-Finnish European, 0.0025%; no homozygotes.

Submission:

GeneDx
Classification: Uncertain significance. Last evaluated: 2021-06-15. Review status: criteria provided, single submitter. Criteria: GeneDx Variant Classification Process June 2021. Collection method: clinical testing. Allele origin: germline. Affected: yes.
Comment: In silico analysis supports that this missense variant has a deleterious effect on protein structure/function; Has not been previously published as pathogenic or benign to our knowledge; This variant is associated with the following publications: (PMID: 27535533)